The following is an entry in ClinVar:

ClinVar aggregate classification (germline): Benign (1 of 4 stars; one submission).

Conditions:
Diabetes insipidus, nephrogenic, autosomal (NDI2). Also called: Nephrogenic Diabetes Insipidus, Type II; Diabetes insipidus, nephrogenic, 2, autosomal. Identifiers: Orphanet 223, MedGen C1563706, MONDO:0007451, OMIM 125800.

Allele frequency attached by ClinVar (database versions not stated): gnomAD 0.00865 and 0.00919; TOPMed 0.00967; 1000 Genomes Project 0.01218; 1000 Genomes Project 30x 0.01296.

Submission:

Illumina Laboratory Services, Illumina
Classification: Benign for Diabetes insipidus, nephrogenic, autosomal. Last evaluated: 2018-01-13. Review status: criteria provided, single submitter. Criteria: ICSL Variant Classification Criteria 13 December 2019. Collection method: clinical testing. Allele origin: germline.
Comment: This variant was observed in the ICSL laboratory as part of a predisposition screen in an ostensibly healthy population. It had not been previously curated by ICSL or reported in the Human Gene Mutation Database (HGMD: prior to June 1st, 2018), and was therefore a candidate for classification through an automated scoring system. Utilizing variant allele frequency, disease prevalence and penetrance estimates, and inheritance mode, an automated score was calculated to assess if this variant is too frequent to cause the disease. Based on the score and internal cut-off values, a variant classified as benign is not then subjected to further curation. The score for this variant resulted in a classification of benign for this disease.

NM_000486.6(AQP2):c.*2101C>T

Genes: AQP2 (aquaporin 2; plus strand), AQP5-AS1 (AQP5 and AQP2 antisense RNA 2; minus strand). Cytogenetic location: 12q13.12.
Variant type: single nucleotide variant.
Coding change: c.*2101C>T on transcript NM_000486.6 (MANE Select); 2101 bases downstream of the stop codon, C replaced by T.
Molecular consequence: 3 prime UTR variant.
Genome position (GRCh38, 1-based): chr12:49,957,709, C>T. VCF-style: chr12-49957709-C-T. GRCh37 (hg19) VCF-style: chr12-50351492-C-T.
Identifiers: ClinVar variation 309261 (VCV000309261.5), dbSNP rs77661963, ClinGen allele CA10642596.